The following is an entry in ClinVar:

ClinVar aggregate classification (germline): Uncertain significance. Review status: criteria provided, multiple submitters, no conflicts (2 of 4 stars). 2 submissions from 2 submitters: Uncertain significance (2). Last evaluated 2025-11-19.

Conditions:
Hajdu-Cheney syndrome (HJCYS). Also called: ACROOSTEOLYSIS WITH OSTEOPOROSIS AND CHANGES IN SKULL AND MANDIBLE; SERPENTINE FIBULA-POLYCYSTIC KIDNEY SYNDROME; Acroosteolysis dominant type. Identifiers: Orphanet 955, MedGen C0917715, MONDO:0007057, OMIM 102500.
NOTCH2-related disorder. Also called: NOTCH2-related condition.

Allele frequency attached by ClinVar (database versions not stated): gnomAD exomes below 0.00001; ExAC 0.00002; gnomAD 0.00003; TOPMed 0.00009.
gnomAD v4.1: 6 of 1,614,050 alleles (0.00037%); highest among the groups gnomAD compares: African/African-American, 0.008%; no homozygotes.

Submissions (2):

Labcorp Genetics (formerly Invitae), Labcorp
Classification: Uncertain significance for Hajdu-Cheney syndrome. Last evaluated: 2025-11-19. Review status: criteria provided, single submitter. Criteria: Invitae Variant Classification Sherloc (09022015). Collection method: clinical testing. Allele origin: germline.
Comment: This sequence change replaces valine, which is neutral and non-polar, with isoleucine, which is neutral and non-polar, at codon 1182 of the NOTCH2 protein (p.Val1182Ile). This variant is present in population databases (rs782277118, gnomAD 0.01%). This variant has not been reported in the literature in individuals affected with NOTCH2-related conditions. ClinVar contains an entry for this variant (Variation ID: 2635513). Invitae Evidence Modeling of protein sequence and biophysical properties (such as structural, functional, and spatial information, amino acid conservation, physicochemical variation, residue mobility, and thermodynamic stability) indicates that this missense variant is not expected to disrupt NOTCH2 protein function with a negative predictive value of 80%. In summary, the available evidence is currently insufficient to determine the role of this variant in disease. Therefore, it has been classified as a Variant of Uncertain Significance.

PreventionGenetics, part of Exact Sciences
Classification: Uncertain significance for NOTCH2-related condition. Last evaluated: 2023-05-08. Review status: criteria provided, single submitter. Criteria: ACMG Guidelines, 2015. Collection method: clinical testing. Allele origin: germline.
Comment: The NOTCH2 c.3544G>A variant is predicted to result in the amino acid substitution p.Val1182Ile. To our knowledge, this variant has not been reported in the literature. This variant is reported in 0.012% of alleles in individuals of African descent in gnomAD. At this time, the clinical significance of this variant is uncertain due to the absence of conclusive functional and genetic evidence.

NM_024408.4(NOTCH2):c.3544G>A (p.Val1182Ile)

Gene: NOTCH2 (notch receptor 2; minus strand). Cytogenetic location: 1p12.
Variant type: single nucleotide variant.
Coding change: c.3544G>A on transcript NM_024408.4 (MANE Select); coding-DNA position 3544, G replaced by A.
Protein change: p.Val1182Ile; replaces valine 1182 with isoleucine.
Molecular consequence: missense variant.
Genome position (GRCh38, 1-based): chr1:119,935,583, C>T on the plus strand (G>A on the coding strand, the complement: NOTCH2 is on the minus strand). VCF-style: chr1-119935583-C-T. GRCh37 (hg19) VCF-style: chr1-120478206-C-T.
Other names: c.3544G>A, p.Val1182Ile (NM_001200001.2); short protein forms V1182I.
Identifiers: ClinVar variation 2635513 (VCV002635513.2), dbSNP rs782277118, ClinGen allele CA1040026.